The following is an entry in ClinVar:

ClinVar aggregate classification (germline): Conflicting classifications of pathogenicity. Review status: criteria provided, conflicting classifications (1 of 4 stars). 2 submissions from 2 submitters: Uncertain significance (1); Likely benign (1). Last evaluated 2023-03-01.

Allele frequency attached by ClinVar (database versions not stated): 1000 Genomes Project 30x 0.00021; ExAC 0.00021; gnomAD 0.00022; TOPMed 0.00022; 1000 Genomes Project 0.00026; gnomAD exomes 0.00032; ESP Exome Variant Server 0.00038.

Submissions (2):

CeGaT Center for Human Genetics Tuebingen
Classification: Likely benign. Last evaluated: 2023-03-01. Review status: criteria provided, single submitter. Criteria: CeGaT Center For Human Genetics Tuebingen Variant Classification Criteria Version 2. Collection method: clinical testing. Allele origin: germline. Affected: yes. Observed: 1 variant allele.
Comment: WDR13: PP2, BS2

Ambry Genetics
Classification: Uncertain significance. Last evaluated: 2021-06-11. Review status: criteria provided, single submitter. Criteria: Ambry Variant Classification Scheme 2023. Collection method: clinical testing. Allele origin: germline.

NM_001347217.2(WDR13):c.323A>G (p.His108Arg)

Gene: WDR13 (WD repeat domain 13; plus strand). Cytogenetic location: Xp11.23.
Variant type: single nucleotide variant.
Coding change: c.323A>G on transcript NM_001347217.2 (MANE Select); coding-DNA position 323, A replaced by G.
Protein change: p.His108Arg; replaces histidine 108 with arginine.
Molecular consequence: missense variant. On other transcripts: non-coding transcript variant (1).
Genome position (GRCh38, 1-based): chrX:48,599,393, A>G. VCF-style: chrX-48599393-A-G. GRCh37 (hg19) VCF-style: chrX-48457781-A-G.
Other names: c.47A>G, p.His16Arg (NM_001166426.3, NM_001347219.2); c.323A>G, p.His108Arg (NM_017883.6); short protein forms H16R, H108R.
Identifiers: ClinVar variation 2350177 (VCV002350177.26), dbSNP rs143365075, ClinGen allele CA10403638.